The following is an entry in ClinVar:

NM_013275.6(ANKRD11):c.924C>T (p.Phe308=)

Gene: ANKRD11 (ankyrin repeat domain 11; minus strand). Cytogenetic location: 16q24.3.
Variant type: single nucleotide variant.
Coding change: c.924C>T on transcript NM_013275.6 (MANE Select); coding-DNA position 924, C replaced by T.
Protein change: p.Phe308=; no amino-acid change (phenylalanine 308 retained).
Molecular consequence: synonymous variant.
Genome position (GRCh38, 1-based): chr16:89,285,618, G>A on the plus strand (C>T on the coding strand, the complement: ANKRD11 is on the minus strand). VCF-style: chr16-89285618-G-A. GRCh37 (hg19) VCF-style: chr16-89352026-G-A.
Other names: c.924C>T (NM_013275.5); c.924C>T, p.Phe308= (NM_001256182.2, NM_001256183.2).
Identifiers: ClinVar variation 1175012 (VCV001175012.41), dbSNP rs373627320, ClinGen allele CA8242895.

ClinVar aggregate classification (germline): Benign/Likely benign. Review status: criteria provided, multiple submitters, no conflicts (2 of 4 stars). 8 submissions from 8 submitters: Benign (1); Likely benign (4). 3 of the submissions do not count toward it. Last evaluated 2026-05-13.

Conditions:
ANKRD11-related disorder. Also called: ANKRD11-related condition.
KBG syndrome (KBGS). Also called: ANKRD11-Related KBG Syndrome. Identifiers: Orphanet 2332, MedGen C0220687, MONDO:0007846, OMIM 148050.
Inborn genetic diseases. Identifiers: MedGen C0950123, MeSH D030342.

Allele frequency attached by ClinVar (database versions not stated): ExAC 0.00006; gnomAD 0.00008 and 0.00009; gnomAD exomes 0.00009 and 0.00014; TOPMed 0.00010; ESP Exome Variant Server 0.00015.
gnomAD v4.1: 217 of 1,614,058 alleles (0.013%); highest among the groups gnomAD compares: Non-Finnish European, 0.016%; no homozygotes.

Submissions (8):

Women's Health and Genetics/Laboratory Corporation of America, LabCorp
Classification: Benign. Last evaluated: 2026-05-13. Review status: criteria provided, single submitter. Criteria: LabCorp Variant Classification Summary - May 2015. Collection method: clinical testing. Allele origin: germline.

Labcorp Genetics (formerly Invitae), Labcorp
Classification: Likely benign for KBG syndrome. Last evaluated: 2025-12-21. Review status: criteria provided, single submitter. Criteria: Invitae Variant Classification Sherloc (09022015). Collection method: clinical testing. Allele origin: germline.

Blueprint Genetics
Classification: Likely benign. Last evaluated: 2023-09-23. Review status: criteria provided, single submitter. Criteria: ACMG Guidelines, 2015. Collection method: clinical testing. Allele origin: germline.

CeGaT Center for Human Genetics Tuebingen
Classification: Likely benign. Last evaluated: 2022-08-01. Review status: criteria provided, single submitter. Criteria: CeGaT Center For Human Genetics Tuebingen Variant Classification Criteria Version 2. Collection method: clinical testing. Allele origin: germline. Affected: yes. Observed: 1 variant allele.
Comment: ANKRD11: BP4, BP7

Ambry Genetics
Classification: Likely benign for Inborn genetic diseases. Last evaluated: 2019-02-09. Review status: criteria provided, single submitter. Criteria: Ambry Variant Classification Scheme 2023. Collection method: clinical testing. Allele origin: germline.

PreventionGenetics, part of Exact Sciences
Classification: Likely benign for ANKRD11-related condition. Last evaluated: 2019-06-13. Review status: no assertion criteria provided. Collection method: clinical testing. Allele origin: germline. Not counted in ClinVar's aggregate classification.
Comment: This variant is classified as likely benign based on ACMG/AMP sequence variant interpretation guidelines (Richards et al. 2015 PMID: 25741868, with internal and published modifications).

Clinical Genetics DNA and cytogenetics Diagnostics Lab, Erasmus MC, Erasmus Medical Center
Classification: Likely benign. Review status: no assertion criteria provided. Collection method: clinical testing. Allele origin: germline. Affected: yes. Study: VKGL Data-share Consensus. Not counted in ClinVar's aggregate classification.

Diagnostic Laboratory, Department of Genetics, University Medical Center Groningen
Classification: Likely benign. Review status: no assertion criteria provided. Collection method: clinical testing. Allele origin: germline. Affected: yes. Study: VKGL Data-share Consensus. Not counted in ClinVar's aggregate classification.